The following is an entry in ClinVar:

NM_004415.4(DSP):c.521G>C (p.Cys174Ser)

Gene: DSP (desmoplakin; plus strand). Cytogenetic location: 6p24.3.
Variant type: single nucleotide variant.
Coding change: c.521G>C on transcript NM_004415.4 (MANE Select); coding-DNA position 521, G replaced by C.
Protein change: p.Cys174Ser; replaces cysteine 174 with serine.
Molecular consequence: missense variant.
Genome position (GRCh38, 1-based): chr6:7,559,324, G>C. VCF-style: chr6-7559324-G-C. GRCh37 (hg19) VCF-style: chr6-7559557-G-C.
Other names: c.521G>C, p.Cys174Ser (NM_001008844.3, NM_001319034.2, NM_001406591.1); short protein forms C174S.
Identifiers: ClinVar variation 3894278 (VCV003894278.2).
Genomic context (GRCh38, chr6:7,559,324, plus strand): 5'-AAGCCATCAGTGTCCCTCGAGTCCGCAGGGCCAGCTCCAAGGGTGGTGGAGGCTACACTT[G>C]TCAGAGTGGCTCTGGCTGGGATGAGTTCACCAAACATGTCACCAGTGAATGTTTGGGGTG-3'
Protein context (NP_004406.2, residues 164-184): ASSKGGGGYT[Cys174Ser]QSGSGWDEFT

ClinVar aggregate classification (germline): Uncertain significance. Review status: criteria provided, multiple submitters, no conflicts (2 of 4 stars). 2 submissions from 2 submitters: Uncertain significance (2). Last evaluated 2025-09-05.

Conditions:
Cardiovascular phenotype. Identifiers: MedGen CN230736.
Cardiomyopathy (CMYO). Also called: Cardiomyopathies. Identifiers: Orphanet 167848, MedGen C0878544, MONDO:0004994, HP:0001638. Inheritance: Various modes of inheritance.

Submissions (2):

Ambry Genetics
Classification: Uncertain significance for Cardiovascular phenotype. Last evaluated: 2025-09-05. Review status: criteria provided, single submitter. Criteria: Ambry Variant Classification Scheme 2023. Collection method: clinical testing. Allele origin: germline.

Color Diagnostics, LLC DBA Color Health
Classification: Uncertain significance for Cardiomyopathy. Last evaluated: 2025-03-31. Review status: criteria provided, single submitter. Criteria: ACMG Guidelines, 2015. Collection method: clinical testing. Allele origin: germline.
Comment: This missense variant replaces cysteine with serine at codon 174 of the DSP protein. Computational prediction suggests that this variant may not impact protein structure and function (internally defined REVEL score threshold <= 0.5, PMID: 27666373). To our knowledge, functional studies have not been reported for this variant. This variant has not been reported in individuals affected with DSP-related disorders in the literature. This variant has not been identified in the general population by the Genome Aggregation Database (gnomAD). The available evidence is insufficient to determine the role of this variant in disease conclusively. Therefore, this variant is classified as a Variant of Uncertain Significance.